The following is an entry in ClinVar:

ClinVar aggregate classification (germline): Uncertain significance (1 of 4 stars; one submission).

Conditions:
Hereditary cancer-predisposing syndrome. Also called: Neoplastic Syndromes, Hereditary; Tumor predisposition; Hereditary neoplastic syndrome; Hereditary Cancer Syndrome. Identifiers: Orphanet 140162, MedGen C0027672, MeSH D009386, MONDO:0015356.

Submission:

Ambry Genetics
Classification: Uncertain significance for Hereditary cancer-predisposing syndrome. Last evaluated: 2026-07-07. Review status: criteria provided, single submitter. Criteria: Ambry Variant Classification Scheme 2023. Collection method: clinical testing. Allele origin: germline.
Comment: The p.R152K variant (also known as c.455G>A), located in coding exon 5 of the MAX gene, results from a G to A substitution at nucleotide position 455. The arginine at codon 152 is replaced by lysine, an amino acid with highly similar properties. This amino acid position is conserved. In addition, this alteration is predicted to be tolerated by in silico analysis. Based on the available evidence, the clinical significance of this variant remains unclear.

NM_002382.5(MAX):c.455G>A (p.Arg152Lys)

Gene: MAX (MYC associated transcriptional regulator X; minus strand). Cytogenetic location: 14q23.3.
Variant type: single nucleotide variant.
Coding change: c.455G>A on transcript NM_002382.5 (MANE Select); coding-DNA position 455, G replaced by A.
Protein change: p.Arg152Lys; replaces arginine 152 with lysine.
Molecular consequence: missense variant. On other transcripts: non-coding transcript variant (7), intron variant (2), 3 prime UTR variant (12).
Genome position (GRCh38, 1-based): chr14:65,076,504, C>T on the plus strand (G>A on the coding strand, the complement: MAX is on the minus strand). VCF-style: chr14-65076504-C-T. GRCh37 (hg19) VCF-style: chr14-65543222-C-T.
Other names: c.144+17204G>A (NM_001271069.2); c.171+17204G>A (NM_197957.4); c.266G>A, p.Arg89Lys (NM_001320415.2, NM_001407105.1, NM_001407106.1 and 1 more transcripts); c.455G>A, p.Arg152Lys (NM_001407094.1); c.428G>A, p.Arg143Lys (NM_001407095.1, NM_145112.3); c.*228G>A (NM_001407096.1, NM_001407099.1, NM_001407102.1 and 2 more transcripts); c.*244G>A (NM_001407097.1, NM_001407100.1, NM_001407101.1 and 4 more transcripts); c.347G>A, p.Arg116Lys (NM_001407098.1); and 1 more; short protein forms R116K, R152K, R89K, R143K, R85K.
Identifiers: ClinVar variation 5023942 (VCV005023942.1).
Genomic context (GRCh38, chr14:65,076,504, plus strand): 5'-ACAGTTTTTATTGCTGGCCTGCCCCGAGTGGCTTAGCTGGCCTCCATCCGGAGCTTCTTC[C>T]TGCTTTGGGGCTCTTCAGGCTCAGACTCCGAGCTGGAGTCCGAGCCCCCATCGAAGGCAG-3'
Protein context (NP_002373.3, residues 142-160): SESEPEEPQS[Arg152Lys]KKLRMEAS